The following is an entry in ClinVar:

NM_004360.5(CDH1):c.2541C>T (p.Ser847=)

Gene: CDH1 (cadherin 1; plus strand). Cytogenetic location: 16q22.1.
Variant type: single nucleotide variant.
Coding change: c.2541C>T on transcript NM_004360.5 (MANE Select); coding-DNA position 2541, C replaced by T.
Protein change: p.Ser847=; no amino-acid change (serine 847 retained).
Molecular consequence: synonymous variant.
Genome position (GRCh38, 1-based): chr16:68,833,391, C>T. VCF-style: chr16-68833391-C-T. GRCh37 (hg19) VCF-style: chr16-68867294-C-T.
Other names: c.2541C>T (LRG_301t1); c.2358C>T, p.Ser786= (NM_001317184.2); c.993C>T, p.Ser331= (NM_001317185.2); c.576C>T, p.Ser192= (NM_001317186.2).
Identifiers: ClinVar variation 219724 (VCV000219724.13), dbSNP rs147968870, ClinGen allele CA348218.

ClinVar aggregate classification (germline): Benign/Likely benign. Review status: criteria provided, multiple submitters, no conflicts (2 of 4 stars). 3 submissions from 3 submitters: Benign (1); Likely benign (2). Last evaluated 2024-09-24.

Conditions:
Hereditary cancer-predisposing syndrome. Also called: Tumor predisposition; Hereditary neoplastic syndrome; Neoplastic Syndromes, Hereditary; Hereditary Cancer Syndrome. Identifiers: Orphanet 140162, MedGen C0027672, MeSH D009386, MONDO:0015356.
Hereditary diffuse gastric adenocarcinoma (HDGC). Also called: DIFFUSE GASTRIC AND LOBULAR BREAST CANCER SYNDROME. Identifiers: Orphanet 26106, MedGen C1708349, MONDO:0007648, OMIM 137215.

Allele frequency attached by ClinVar (database versions not stated): gnomAD exomes below 0.00001; ESP Exome Variant Server 0.00008.

Submissions (3):

Myriad Genetics, Inc.
Classification: Benign for Hereditary diffuse gastric adenocarcinoma. Last evaluated: 2024-09-24. Review status: criteria provided, single submitter. Criteria: Myriad Autosomal Dominant, Autosomal Recessive and X-Linked Classification Criteria (2023). Collection method: clinical testing. Allele origin: unknown.
Comment: This variant is considered benign. This variant is a silent/synonymous amino acid change and it is not expected to impact splicing.

Labcorp Genetics (formerly Invitae), Labcorp
Classification: Likely benign for Hereditary diffuse gastric adenocarcinoma. Last evaluated: 2024-06-21. Review status: criteria provided, single submitter. Criteria: Invitae Variant Classification Sherloc (09022015). Collection method: clinical testing. Allele origin: germline.

Ambry Genetics
Classification: Likely benign for Hereditary cancer-predisposing syndrome. Last evaluated: 2020-07-09. Review status: criteria provided, single submitter. Criteria: Ambry Variant Classification Scheme 2023. Collection method: clinical testing. Allele origin: germline.